The following is an entry in ClinVar:

ClinVar aggregate classification (germline): Conflicting classifications of pathogenicity. Review status: criteria provided, conflicting classifications (1 of 4 stars). 3 submissions from 3 submitters: Uncertain significance (2); Likely benign (1). Last evaluated 2026-08-06.

Conditions:
Cardiovascular phenotype. Identifiers: MedGen CN230736.
Hereditary cancer-predisposing syndrome. Also called: Tumor predisposition; Hereditary Cancer Syndrome; Hereditary neoplastic syndrome; Neoplastic Syndromes, Hereditary. Identifiers: Orphanet 140162, MedGen C0027672, MeSH D009386, MONDO:0015356.
Neurofibromatosis, type 1 (NF1). Also called: VON RECKLINGHAUSEN DISEASE; Peripheral type neurofibromatosis; Neurofibromatosis, type I; NEUROFIBROMATOSIS, TYPE I, SOMATIC. Identifiers: Orphanet 636, MedGen C0027831, MONDO:0018975, OMIM 162200. Disease mechanism: loss of function.

gnomAD v4.1: 1 of 1,614,018 alleles (0.000062%); highest among the groups gnomAD compares: Non-Finnish European, 0.000085%; no homozygotes.

Submissions (3):

Ambry Genetics
Classification: Likely benign for Cardiovascular phenotype; Hereditary cancer-predisposing syndrome. Last evaluated: 2026-08-06. Review status: criteria provided, single submitter. Criteria: Ambry Variant Classification Scheme 2023. Collection method: clinical testing. Allele origin: germline.

Labcorp Genetics (formerly Invitae), Labcorp
Classification: Uncertain significance for Neurofibromatosis, type 1. Last evaluated: 2025-01-26. Review status: criteria provided, single submitter. Criteria: Invitae Variant Classification Sherloc (09022015). Collection method: clinical testing. Allele origin: germline.
Comment: This sequence change replaces serine, which is neutral and polar, with phenylalanine, which is neutral and non-polar, at codon 2733 of the NF1 protein (p.Ser2733Phe). This variant is not present in population databases (gnomAD no frequency). This variant has not been reported in the literature in individuals affected with NF1-related conditions. ClinVar contains an entry for this variant (Variation ID: 1058027). Invitae Evidence Modeling of protein sequence and biophysical properties (such as structural, functional, and spatial information, amino acid conservation, physicochemical variation, residue mobility, and thermodynamic stability) indicates that this missense variant is not expected to disrupt NF1 protein function with a negative predictive value of 95%. In summary, the available evidence is currently insufficient to determine the role of this variant in disease. Therefore, it has been classified as a Variant of Uncertain Significance.

Quest Diagnostics Nichols Institute San Juan Capistrano
Classification: Uncertain significance. Last evaluated: 2023-12-15. Review status: criteria provided, single submitter. Criteria: Quest Diagnostics criteria. Collection method: clinical testing. Allele origin: unknown.

NM_001042492.3(NF1):c.8261C>T (p.Ser2754Phe)

Gene: NF1 (neurofibromin 1; plus strand). Cytogenetic location: 17q11.2.
Variant type: single nucleotide variant.
Coding change: c.8261C>T on transcript NM_001042492.3 (MANE Select); coding-DNA position 8261, C replaced by T.
Protein change: p.Ser2754Phe; replaces serine 2754 with phenylalanine.
Molecular consequence: missense variant.
Genome position (GRCh38, 1-based): chr17:31,360,587, C>T. VCF-style: chr17-31360587-C-T. GRCh37 (hg19) VCF-style: chr17-29687605-C-T.
Other names: c.8198C>T, p.Ser2733Phe (NM_000267.4); short protein forms S2733F, S2754F.
Identifiers: ClinVar variation 1058027 (VCV001058027.8), dbSNP rs2151587952, ClinGen allele CA399204737.
Genomic context (GRCh38, chr17:31,360,587, plus strand): 5'-TTCTTGATGCCTTGATTGACACGTACCTGCCTGGAATTGATGAAGAAACCAGTGAAGAAT[C>T]CCTCCTGACTCCCACATCTCCTTACCCTCCTGCACTGCAGAGCCAGCTTAGTATCACTGC-3'
Protein context (NP_001035957.1, residues 2744-2764): PGIDEETSEE[Ser2754Phe]LLTPTSPYPP